The following is an entry in ClinVar:

NM_000169.3(GLA):c.999+70A>G

Genes: GLA (galactosidase alpha; minus strand), RPL36A-HNRNPH2 (RPL36A-HNRNPH2 readthrough; plus strand). Cytogenetic location: Xq22.1.
Variant type: single nucleotide variant.
Coding change: c.999+70A>G on transcript NM_000169.3 (MANE Select); 70 bases into the intron after coding-DNA position 999, A replaced by G.
Molecular consequence: intron variant. On other transcripts: missense variant (1).
Genome position (GRCh38, 1-based): chrX:101,398,300, T>C on the plus strand (A>G on the coding strand, the complement: GLA is on the minus strand). VCF-style: chrX-101398300-T-C. GRCh37 (hg19) VCF-style: chrX-100653288-T-C.
Other names: c.1069A>G, p.Ile357Val (NM_001406748.1); c.300+2843T>C (NM_001199973.2); c.177+6478T>C (NM_001199974.2); c.1122+70A>G (NM_001406747.1); short protein forms I357V.
Identifiers: ClinVar variation 4085047 (VCV004085047.8).

ClinVar aggregate classification (germline): Likely benign (1 of 4 stars; one submission).

gnomAD v4.1: 9 of 878,593 alleles (0.001%); highest among the groups gnomAD compares: Admixed American, 0.0044%; no homozygotes.

Submission:

CeGaT Center for Human Genetics Tuebingen
Classification: Likely benign. Last evaluated: 2025-08-01. Review status: criteria provided, single submitter. Criteria: CeGaT Center For Human Genetics Tuebingen Variant Classification Criteria Version 2. Collection method: clinical testing. Allele origin: germline. Affected: yes. Observed: 1 variant allele.
Comment: GLA: BS2